The following is an entry in ClinVar:

ClinVar aggregate classification (germline): Uncertain significance (1 of 4 stars; one submission).

Conditions:
Severe combined immunodeficiency due to IKK2 deficiency. Also called: Immunodeficiency 15; IMMUNODEFICIENCY 15B. Identifiers: Orphanet 397787, MedGen C4747743, MONDO:0014267, OMIM 615592.

Submission:

Labcorp Genetics (formerly Invitae), Labcorp
Classification: Uncertain significance for Severe combined immunodeficiency due to IKK2 deficiency. Last evaluated: 2021-08-30. Review status: criteria provided, single submitter. Criteria: Invitae Variant Classification Sherloc (09022015). Collection method: clinical testing. Allele origin: germline.
Comment: This sequence change replaces glycine with aspartic acid at codon 358 of the IKBKB protein (p.Gly358Asp). The glycine residue is highly conserved and there is a moderate physicochemical difference between glycine and aspartic acid. This variant is not present in population databases (ExAC no frequency). This variant has not been reported in the literature in individuals affected with IKBKB-related conditions. Advanced modeling of protein sequence and biophysical properties (such as structural, functional, and spatial information, amino acid conservation, physicochemical variation, residue mobility, and thermodynamic stability) performed at Invitae indicates that this missense variant is not expected to disrupt IKBKB protein function. In summary, the available evidence is currently insufficient to determine the role of this variant in disease. Therefore, it has been classified as a Variant of Uncertain Significance.

NM_001556.3(IKBKB):c.1073G>A (p.Gly358Asp)

Gene: IKBKB (inhibitor of nuclear factor kappa B kinase subunit beta; plus strand). Cytogenetic location: 8p11.21.
Variant type: single nucleotide variant.
Coding change: c.1073G>A on transcript NM_001556.3 (MANE Select); coding-DNA position 1073, G replaced by A.
Protein change: p.Gly358Asp; replaces glycine 358 with aspartic acid.
Molecular consequence: missense variant. On other transcripts: non-coding transcript variant (3).
Genome position (GRCh38, 1-based): chr8:42,316,852, G>A. VCF-style: chr8-42316852-G-A. GRCh37 (hg19) VCF-style: chr8-42174370-G-A.
Other names: c.881G>A, p.Gly294Asp (NM_001190720.3); c.896G>A, p.Gly299Asp (NM_001242778.2); short protein forms G299D, G294D, G358D.
Identifiers: ClinVar variation 1408380 (VCV001408380.7), dbSNP rs2130638855, ClinGen allele CA371085453.